The following is an entry in ClinVar:

NM_006073.4(TRDN):c.1721-3C>G

Gene: TRDN (triadin; minus strand). Cytogenetic location: 6q22.31.
Variant type: single nucleotide variant.
Coding change: c.1721-3C>G on transcript NM_006073.4 (MANE Select); 3 bases into the intron before coding-DNA position 1721, C replaced by G.
Molecular consequence: intron variant.
Genome position (GRCh38, 1-based): chr6:123,269,869, G>C on the plus strand (C>G on the coding strand, the complement: TRDN is on the minus strand). VCF-style: chr6-123269869-G-C. GRCh37 (hg19) VCF-style: chr6-123591014-G-C.
Identifiers: ClinVar variation 3973111 (VCV003973111.1).

ClinVar aggregate classification (germline): Uncertain significance (1 of 4 stars; one submission).

Conditions:
Cardiovascular phenotype. Identifiers: MedGen CN230736.

gnomAD v4.1: 2 of 1,610,286 alleles (0.00012%); highest among the groups gnomAD compares: Non-Finnish European, 0.000085%; no homozygotes.

Submission:

Ambry Genetics
Classification: Uncertain significance for Cardiovascular phenotype. Last evaluated: 2025-03-25. Review status: criteria provided, single submitter. Criteria: Ambry Variant Classification Scheme 2023. Collection method: clinical testing. Allele origin: germline.
Comment: The c.1721-3C>G intronic variant results from a C to G substitution 3 nucleotides upstream from coding exon 31 in the TRDN gene. This nucleotide position is well conserved in available vertebrate species. In silico splice site analysis predicts that this alteration may weaken the native splice acceptor site. Based on the available evidence, the clinical significance of this variant remains unclear.